The following is an entry in ClinVar:

NM_001386298.1(CIC):c.3998C>G (p.Ser1333Cys)

Gene: CIC (capicua transcriptional repressor; plus strand). Cytogenetic location: 19q13.2.
Variant type: single nucleotide variant.
Coding change: c.3998C>G on transcript NM_001386298.1 (MANE Select); coding-DNA position 3998, C replaced by G.
Protein change: p.Ser1333Cys; replaces serine 1333 with cysteine.
Molecular consequence: missense variant.
Genome position (GRCh38, 1-based): chr19:42,289,317, C>G. VCF-style: chr19-42289317-C-G. GRCh37 (hg19) VCF-style: chr19-42793469-C-G.
Other names: c.3998C>G, p.Ser1333Cys (NM_001304815.2, NM_001379480.1, NM_001379482.1 and 1 more transcripts); c.1271C>G, p.Ser424Cys (NM_001379484.1, NM_001379485.1, NM_015125.5); short protein forms S1333C, S424C.
Identifiers: ClinVar variation 1722997 (VCV001722997.2), dbSNP rs764440532, ClinGen allele CA9471948.

ClinVar aggregate classification (germline): Uncertain significance (1 of 4 stars; one submission).

Allele frequency attached by ClinVar (database versions not stated): ExAC 0.00001.
gnomAD v4.1: 2 of 1,614,116 alleles (0.00012%); highest among the groups gnomAD compares: Non-Finnish European, 0.000085%; no homozygotes.

Submission:

GeneDx
Classification: Uncertain significance. Last evaluated: 2022-05-02. Review status: criteria provided, single submitter. Criteria: GeneDx Variant Classification Process June 2021. Collection method: clinical testing. Allele origin: germline. Affected: yes.
Comment: In silico analysis supports that this missense variant does not alter protein structure/function; Has not been previously published as pathogenic or benign to our knowledge